The following is an entry in ClinVar:

NM_000059.4(BRCA2):c.9256G>A (p.Gly3086Arg)

Gene: BRCA2 (BRCA2 DNA repair associated; plus strand). Cytogenetic location: 13q13.1.
Variant type: single nucleotide variant.
Coding change: c.9256G>A on transcript NM_000059.4 (MANE Select); coding-DNA position 9256, G replaced by A.
Protein change: p.Gly3086Arg; replaces glycine 3086 with arginine.
Molecular consequence: missense variant. On other transcripts: non-coding transcript variant (1).
Genome position (GRCh38, 1-based): chr13:32,380,145, G>A. VCF-style: chr13-32380145-G-A. GRCh37 (hg19) VCF-style: chr13-32954282-G-A.
Other names: c.9160G>A, p.Gly3054Arg (NM_001406719.1); c.9205G>A, p.Gly3069Arg (NM_001406720.1); c.4324G>A, p.Gly1442Arg (NM_001406721.1); c.2839G>A, p.Gly947Arg (NM_001406722.1); c.9256G>A, p.Gly3086Arg (NM_001432077.1); short protein forms G1442R, G3054R, G3069R, G3086R, G947R.
Identifiers: ClinVar variation 3728099 (VCV003728099.2).
Genomic context (GRCh38, chr13:32,380,145, plus strand): 5'-CAGCCATCTTGTTCTGAGGTGGACCTAATAGGATTTGTCGTTTCTGTTGTGAAAAAAACA[G>A]GTAATGCACAATATAGTTAATTTTTTTTATTGATTCTTTTAAAAAACATTGTCTTTTAAA-3'
Protein context (NP_000050.3, residues 3076-3096): GFVVSVVKKT[Gly3086Arg]LAPFVYLSDE

ClinVar aggregate classification (germline): Uncertain significance (1 of 4 stars; one submission).

Conditions:
Hereditary breast ovarian cancer syndrome. Also called: Hereditary breast and ovarian cancer syndrome; Hereditary breast and/or ovarian cancer syndrome; Hereditary breast and ovarian cancer; Hereditary breast and ovarian cancer syndrome (HBOC); Breast and ovarian cancer; BRCA1- and BRCA2-Associated Hereditary Breast and Ovarian Cancer. Identifiers: Orphanet 145, MedGen C0677776, MeSH D061325, MONDO:0003582. Disease mechanism: loss of function.

Submission:

Labcorp Genetics (formerly Invitae), Labcorp
Classification: Uncertain significance for Hereditary breast ovarian cancer syndrome. Last evaluated: 2025-07-06. Review status: criteria provided, single submitter. Criteria: Invitae Variant Classification Sherloc (09022015). Collection method: clinical testing. Allele origin: germline.
Comment: This sequence change replaces glycine, which is neutral and non-polar, with arginine, which is basic and polar, at codon 3086 of the BRCA2 protein (p.Gly3086Arg). This variant also falls at the last nucleotide of exon 24, which is part of the consensus splice site for this exon. This variant is not present in population databases (gnomAD no frequency). This missense change has been observed in individual(s) with breast or ovarian cancer (PMID: 22684231). ClinVar contains an entry for this variant (Variation ID: 3728099). An algorithm developed to predict the effect of missense changes on protein structure and function (PolyPhen-2) suggests that this variant is likely to be disruptive. Variants that disrupt the consensus splice site are a relatively common cause of aberrant splicing (PMID: 17576681, 9536098). Algorithms developed to predict the effect of sequence changes on RNA splicing suggest that this variant may disrupt the consensus splice site. In summary, the available evidence is currently insufficient to determine the role of this variant in disease. Therefore, it has been classified as a Variant of Uncertain Significance.

Literature cited by the submitters: PubMed 22684231; PubMed 17576681; PubMed 9536098.